The following is an entry in ClinVar:

NM_002249.6(KCNN3):c.1316C>A (p.Ala439Asp)

Gene: KCNN3 (potassium calcium-activated channel subfamily N member 3; minus strand). Cytogenetic location: 1q21.3.
Variant type: single nucleotide variant.
Coding change: c.1316C>A on transcript NM_002249.6 (MANE Select); coding-DNA position 1316, C replaced by A.
Protein change: p.Ala439Asp; replaces alanine 439 with aspartic acid.
Molecular consequence: missense variant.
Genome position (GRCh38, 1-based): chr1:154,772,107, G>T on the plus strand (C>A on the coding strand, the complement: KCNN3 is on the minus strand). VCF-style: chr1-154772107-G-T. GRCh37 (hg19) VCF-style: chr1-154744583-G-T.
Other names: c.1316C>A, p.Ala439Asp (NM_001204087.2); c.377C>A, p.Ala126Asp (NM_001365837.1, NM_001365838.1); c.401C>A, p.Ala134Asp (NM_170782.3); short protein forms A134D, A126D, A439D.
Identifiers: ClinVar variation 4090671 (VCV004090671.2).
Genomic context (GRCh38, chr1:154,772,107, plus strand): 5'-GGGCAGATGGTCATGAGCGTCTTCATGACAAAGCGGGTGTTGAAGTTGATCTTGTTGAGG[G>T]CCCCGATGCTGCGGGACGAGGCATCGGTGAAGAGCTTGCTGTGCAGCAGCATGACTCGGG-3'
Protein context (NP_002240.3, residues 429-449): FTDASSRSIG[Ala439Asp]LNKINFNTRF

ClinVar aggregate classification (germline): Uncertain significance (1 of 4 stars; one submission).

Conditions:
Inborn genetic diseases. Identifiers: MedGen C0950123, MeSH D030342.

Submission:

Ambry Genetics
Classification: Uncertain significance for Inborn genetic diseases. Last evaluated: 2026-04-08. Review status: criteria provided, single submitter. Criteria: Ambry Variant Classification Scheme 2023. Collection method: clinical testing. Allele origin: germline.
Comment: The c.1316C>A (p.A439D) alteration is located in exon 3 (coding exon 3) of the KCNN3 gene. This alteration results from a C to A substitution at nucleotide position 1316, causing the alanine (A) at amino acid position 439 to be replaced by an aspartic acid (D). This variant was not reported in population-based cohorts in the Genome Aggregation Database (gnomAD). This amino acid position is highly conserved in available vertebrate species. This alteration is predicted to be deleterious by in silico analysis. Based on insufficient or conflicting evidence, the clinical significance of this alteration remains unclear.